The following is an entry in ClinVar:

ClinVar aggregate classification (germline): Benign/Likely benign. Review status: criteria provided, multiple submitters, no conflicts (2 of 4 stars). 6 submissions from 5 submitters: Benign (5); Likely benign (1). Last evaluated 2026-01-31.

Conditions:
Adams-Oliver syndrome 5 (AOS5). Identifiers: Orphanet 974, MedGen C4014970, MONDO:0014459, OMIM 616028.
Aortic valve disease 1 (AOVD1). Identifiers: MedGen C3887892, MONDO:0024523, OMIM 109730.

Allele frequency attached by ClinVar (database versions not stated): gnomAD exomes 0.00034 and 0.00080; ExAC 0.00087; 1000 Genomes Project 30x 0.00203; 1000 Genomes Project 0.00220; gnomAD 0.00271 and 0.00291; TOPMed 0.00318; ESP Exome Variant Server 0.00334.

Submissions (6):

Labcorp Genetics (formerly Invitae), Labcorp
Classification: Benign for Adams-Oliver syndrome 5. Last evaluated: 2026-01-31. Review status: criteria provided, single submitter. Criteria: Invitae Variant Classification Sherloc (09022015). Collection method: clinical testing. Allele origin: germline.

Blueprint Genetics
Classification: Likely benign. Last evaluated: 2024-10-03. Review status: criteria provided, single submitter. Criteria: ACMG Guidelines, 2015. Collection method: clinical testing. Allele origin: germline.

Women's Health and Genetics/Laboratory Corporation of America, LabCorp
Classification: Benign. Last evaluated: 2023-07-21. Review status: criteria provided, single submitter. Criteria: LabCorp Variant Classification Summary - May 2015. Collection method: clinical testing. Allele origin: germline.

Genome-Nilou Lab
Classification: Benign for Adams-Oliver syndrome 5. Last evaluated: 2022-03-15. Review status: criteria provided, single submitter. Criteria: ACMG Guidelines, 2015. Collection method: clinical testing. Allele origin: germline. Affected: no.

Genome-Nilou Lab
Classification: Benign for Aortic valve disease 1. Last evaluated: 2022-03-15. Review status: criteria provided, single submitter. Criteria: ACMG Guidelines, 2015. Collection method: clinical testing. Allele origin: germline. Affected: no.

GeneDx
Classification: Benign. Last evaluated: 2017-01-18. Review status: criteria provided, single submitter. Criteria: GeneDx Variant Classification (06012015). Collection method: clinical testing. Allele origin: germline. Affected: yes.
Comment: This variant is considered likely benign or benign based on one or more of the following criteria: it is a conservative change, it occurs at a poorly conserved position in the protein, it is predicted to be benign by multiple in silico algorithms, and/or has population frequency not consistent with disease.

Literature cited by the submitters: PubMed 16614245 (cited by Women's Health and Genetics/Laboratory Corporation of America, LabCorp); PubMed 19635999 (cited by Women's Health and Genetics/Laboratory Corporation of America, LabCorp); PubMed 19245433 (cited by Women's Health and Genetics/Laboratory Corporation of America, LabCorp); PubMed 22858860 (cited by Women's Health and Genetics/Laboratory Corporation of America, LabCorp).

NM_017617.5(NOTCH1):c.5384+13C>T

Gene: NOTCH1 (notch receptor 1; minus strand). Cytogenetic location: 9q34.3.
Variant type: single nucleotide variant.
Coding change: c.5384+13C>T on transcript NM_017617.5 (MANE Select); 13 bases into the intron after coding-DNA position 5384, C replaced by T.
Molecular consequence: intron variant.
Genome position (GRCh38, 1-based): chr9:136,502,259, G>A on the plus strand (C>T on the coding strand, the complement: NOTCH1 is on the minus strand). VCF-style: chr9-136502259-G-A. GRCh37 (hg19) VCF-style: chr9-139396711-G-A.
Other names: c.5384+13C>T (LRG_1122t1, NM_017617.4).
Identifiers: ClinVar variation 506447 (VCV000506447.11), dbSNP rs112582298, ClinGen allele CA5340320.